The following is an entry in ClinVar:

ClinVar aggregate classification (germline): Uncertain significance (1 of 4 stars; one submission).

Conditions:
NRP1-related disorder. Also called: NRP1-related condition.

Allele frequency attached by ClinVar (database versions not stated): TOPMed below 0.00001.

Submission:

PreventionGenetics, part of Exact Sciences
Classification: Uncertain significance for NRP1-related condition. Last evaluated: 2022-12-07. Review status: criteria provided, single submitter. Criteria: ACMG Guidelines, 2015. Collection method: clinical testing. Allele origin: germline.
Comment: The NRP1 c.466G>A variant is predicted to result in the amino acid substitution p.Gly156Arg. To our knowledge, this variant has not been reported in the literature or in a large population database, indicating this variant is rare. At this time, the clinical significance of this variant is uncertain due to the absence of conclusive functional and genetic evidence.

NM_003873.7(NRP1):c.466G>A (p.Gly156Arg)

Genes: NRP1 (neuropilin 1; minus strand), LOC126860910 (P300/CBP strongly-dependent group 1 enhancer GRCh37_chr10:33552654-33553853; plus strand). Cytogenetic location: 10p11.22.
Variant type: single nucleotide variant.
Coding change: c.466G>A on transcript NM_003873.7 (MANE Select); coding-DNA position 466, G replaced by A.
Protein change: p.Gly156Arg; replaces glycine 156 with arginine.
Molecular consequence: missense variant. On other transcripts: non-coding transcript variant (1).
Genome position (GRCh38, 1-based): chr10:33,263,838, C>T on the plus strand (G>A on the coding strand, the complement: NRP1 is on the minus strand). VCF-style: chr10-33263838-C-T. GRCh37 (hg19) VCF-style: chr10-33552766-C-T.
Other names: c.466G>A, p.Gly156Arg (NM_001024628.3, NM_001024629.3, NM_001244972.2 and 2 more transcripts); short protein forms G156R.
Identifiers: ClinVar variation 2628920 (VCV002628920.1), dbSNP rs1842743223, ClinGen allele CA376482316.